The following is an entry in ClinVar:

NM_007373.4(SHOC2):c.988C>T (p.Leu330Phe)

Gene: SHOC2 (SHOC2 leucine rich repeat scaffold protein; plus strand). Cytogenetic location: 10q25.2.
Variant type: single nucleotide variant.
Coding change: c.988C>T on transcript NM_007373.4 (MANE Select); coding-DNA position 988, C replaced by T.
Protein change: p.Leu330Phe; replaces leucine 330 with phenylalanine.
Molecular consequence: missense variant. On other transcripts: non-coding transcript variant (1).
Genome position (GRCh38, 1-based): chr10:111,004,621, C>T. VCF-style: chr10-111004621-C-T. GRCh37 (hg19) VCF-style: chr10-112764379-C-T.
Other names: c.988C>T, p.Leu330Phe (NM_001324337.2, NM_001324336.2); c.850C>T, p.Leu284Phe (NM_001269039.3); short protein forms L284F, L330F.
Identifiers: ClinVar variation 3366248 (VCV003366248.1).
Genomic context (GRCh38, chr10:111,004,621, plus strand): 5'-CTCATCACAGTTCTAATTCTTATGTTTATTTCATTTTTTTTACAGAGTCTTTTATCAAGT[C>T]TTGTGAAACTGAATAGTTTGACCTTAGCTAGAAATTGCTTCCAGTTGTATCCAGTGGGTG-3'
Protein context (NP_031399.2, residues 320-340): STLPESLLSS[Leu330Phe]VKLNSLTLAR

ClinVar aggregate classification (germline): Uncertain significance (1 of 4 stars; one submission).

Submission:

GeneDx
Classification: Uncertain significance. Last evaluated: 2023-10-20. Review status: criteria provided, single submitter. Criteria: GeneDx Variant Classification Process June 2021. Collection method: clinical testing. Allele origin: germline. Affected: yes.
Comment: Not observed at significant frequency in large population cohorts (gnomAD); In silico analysis supports that this missense variant has a deleterious effect on protein structure/function; Has not been previously published as pathogenic or benign to our knowledge; This variant is associated with the following publications: (PMID: 29493581)